The following is an entry in ClinVar:

ClinVar aggregate classification (germline): Uncertain significance (0 of 4 stars; one submission).

Conditions:
MAGEL2-related disorder. Also called: MAGEL2-related condition.

gnomAD v4.1: 2 of 1,535,216 alleles (0.00013%); highest among the groups gnomAD compares: African/African-American, 0.0027%; no homozygotes.

Submission:

PreventionGenetics, part of Exact Sciences
Classification: Uncertain significance for MAGEL2-related condition. Last evaluated: 2023-12-05. Review status: no assertion criteria provided. Collection method: clinical testing. Allele origin: germline.
Comment: The MAGEL2 c.181C>A variant is predicted to result in the amino acid substitution p.Pro61Thr. To our knowledge, this variant has not been reported in the literature or in a large population database, indicating this variant is rare. At this time, the clinical significance of this variant is uncertain due to the absence of conclusive functional and genetic evidence.

NM_019066.5(MAGEL2):c.181C>A (p.Pro61Thr)

Gene: MAGEL2 (MAGE family member L2; minus strand). Cytogenetic location: 15q11.2.
Variant type: single nucleotide variant.
Coding change: c.181C>A on transcript NM_019066.5 (MANE Select); coding-DNA position 181, C replaced by A.
Protein change: p.Pro61Thr; replaces proline 61 with threonine.
Molecular consequence: missense variant.
Genome position (GRCh38, 1-based): chr15:23,647,562, G>T on the plus strand (C>A on the coding strand, the complement: MAGEL2 is on the minus strand). VCF-style: chr15-23647562-G-T. GRCh37 (hg19) VCF-style: chr15-23892709-G-T.
Other names: short protein forms P61T.
Identifiers: ClinVar variation 3348368 (VCV003348368.1).
Genomic context (GRCh38, chr15:23,647,562, plus strand): 5'-GGGTCATCGGAACCACCGGGGCGGGCAGCTGGCCCTGTGGGGCCTCCCAGGCAGGCTGAG[G>T]TGCCTGCCAAGCGGCCAATGAAGCCTGCAAGTCAATTGGAGGTGGATCCCAAGGGACTGG-3'
Protein context (NP_061939.3, residues 51-71): LQASLAAWQA[Pro61Thr]QPAWEAPQGQ